The following is an entry in ClinVar:

ClinVar aggregate classification (germline): Uncertain significance. Review status: criteria provided, multiple submitters, no conflicts (2 of 4 stars). 3 submissions from 3 submitters: Uncertain significance (3). Last evaluated 2025-04-08.

Conditions:
Lymphatic malformation 3 (LMPHM3). Identifiers: Orphanet 79452, MedGen C4747646, MONDO:0013278, OMIM 613480.
GJC2-related disorder. Also called: GJC2-related condition; GJC2-related disorders. Identifiers: MedGen CN230087.

Submissions (3):

Bioscientia Institut fuer Medizinische Diagnostik GmbH, Sonic Healthcare
Classification: Uncertain significance for Lymphatic malformation 3. Last evaluated: 2025-04-08. Review status: criteria provided, single submitter. Criteria: ACMG Guidelines, 2015. Collection method: clinical testing. Allele origin: germline. Affected: yes.

PreventionGenetics, part of Exact Sciences
Classification: Uncertain significance for GJC2-related condition. Last evaluated: 2024-10-03. Review status: criteria provided, single submitter. Criteria: ACMG Guidelines, 2015. Collection method: clinical testing. Allele origin: germline.
Comment: The GJC2 c.659G>A variant is predicted to result in the amino acid substitution p.Arg220Lys. To our knowledge, this variant has not been reported in the literature or in a large population database, indicating this variant is rare. This variant has been observed in individuals with lymphedema and segregates with the disease in a family (Internal Data, PreventionGenetics). Rare missense variants are a frequent cause of GJC2-related conditions. Although we suspect that this variant may be pathogenic, at this time, the clinical significance of this variant is uncertain due to the absence of conclusive functional and genetic evidence.

Revvity Omics, Revvity
Classification: Uncertain significance. Last evaluated: 2022-04-23. Review status: criteria provided, single submitter. Criteria: ACMG Guidelines, 2015. Collection method: clinical testing. Allele origin: germline.

NM_020435.4(GJC2):c.659G>A (p.Arg220Lys)

Gene: GJC2 (gap junction protein gamma 2; plus strand). Cytogenetic location: 1q42.13.
Variant type: single nucleotide variant.
Coding change: c.659G>A on transcript NM_020435.4 (MANE Select); coding-DNA position 659, G replaced by A.
Protein change: p.Arg220Lys; replaces arginine 220 with lysine.
Molecular consequence: missense variant.
Genome position (GRCh38, 1-based): chr1:228,158,417, G>A. VCF-style: chr1-228158417-G-A. GRCh37 (hg19) VCF-style: chr1-228346118-G-A.
Other names: c.659G>A (NM_020435.3); short protein forms R220K.
Identifiers: ClinVar variation 2432127 (VCV002432127.7), dbSNP rs2527876868, ClinGen allele CA345098914.